The following is an entry in ClinVar:

ClinVar aggregate classification (germline): Likely benign (1 of 4 stars; one submission).

Allele frequency attached by ClinVar (database versions not stated): ExAC 0.00001; gnomAD exomes 0.00001 and 0.00005; gnomAD 0.00003; TOPMed 0.00005.
gnomAD v4.1: 89 of 1,613,872 alleles (0.0055%); highest among the groups gnomAD compares: Non-Finnish European, 0.0066%; no homozygotes.

Submission:

CeGaT Center for Human Genetics Tuebingen
Classification: Likely benign. Last evaluated: 2022-06-01. Review status: criteria provided, single submitter. Criteria: CeGaT Center For Human Genetics Tuebingen Variant Classification Criteria Version 2. Collection method: clinical testing. Allele origin: germline. Affected: yes. Observed: 1 variant allele.
Comment: H1-4: BP4, BP7

NM_005321.3(H1-4):c.129C>T (p.Leu43=)

Gene: H1-4 (H1.4 linker histone, cluster member; plus strand). Cytogenetic location: 6p22.2.
Variant type: single nucleotide variant.
Coding change: c.129C>T on transcript NM_005321.3 (MANE Select); coding-DNA position 129, C replaced by T.
Protein change: p.Leu43=; no amino-acid change (leucine 43 retained).
Molecular consequence: synonymous variant.
Genome position (GRCh38, 1-based): chr6:26,156,519, C>T. VCF-style: chr6-26156519-C-T. GRCh37 (hg19) VCF-style: chr6-26156747-C-T.
Identifiers: ClinVar variation 1695152 (VCV001695152.31), dbSNP rs756055232, ClinGen allele CA3667923.
Genomic context (GRCh38, chr6:26,156,519, plus strand): 5'-GGCCCGCAAGTCTGCAGGTGCGGCCAAGCGCAAAGCGTCTGGGCCCCCGGTGTCCGAGCT[C>T]ATTACTAAAGCTGTTGCCGCCTCCAAGGAGCGCAGCGGCGTATCTTTGGCCGCTCTCAAG-3'
Protein context (NP_005312.1, residues 33-53): RKASGPPVSE[Leu43=]ITKAVAASKE